The following is an entry in ClinVar:

NM_024675.4(PALB2):c.2118T>G (p.Thr706=)

Gene: PALB2 (partner and localizer of BRCA2; minus strand). Cytogenetic location: 16p12.2.
Variant type: single nucleotide variant.
Coding change: c.2118T>G on transcript NM_024675.4 (MANE Select); coding-DNA position 2118, T replaced by G.
Protein change: p.Thr706=; no amino-acid change (threonine 706 retained).
Molecular consequence: synonymous variant. On other transcripts: intron variant (1).
Genome position (GRCh38, 1-based): chr16:23,630,036, A>C on the plus strand (T>G on the coding strand, the complement: PALB2 is on the minus strand). VCF-style: chr16-23630036-A-C. GRCh37 (hg19) VCF-style: chr16-23641357-A-C.
Other names: c.2058T>G, p.Thr686= (NM_001407296.1); c.2118T>G, p.Thr706= (NM_001407297.1, NM_001407298.1, NM_001407299.1 and 3 more transcripts); c.1233T>G, p.Thr411= (NM_001407304.1, NM_001407305.1, NM_001407306.1 and 5 more transcripts); c.330T>G, p.Thr110= (NM_001407312.1, NM_001407313.1); c.49-761T>G (NM_001407314.1).
Identifiers: ClinVar variation 3903844 (VCV003903844.1).

ClinVar aggregate classification (germline): Benign (1 of 4 stars; one submission).

Conditions:
Familial cancer of breast. Also called: Hereditary breast cancer; hereditary breast carcinoma; BREAST CANCER, FAMILIAL. Identifiers: Orphanet 227535, MedGen C0346153, MONDO:0016419, OMIM 114480. Disease mechanism: loss of function.

Submission:

Myriad Genetics, Inc.
Classification: Benign for Familial cancer of breast. Last evaluated: 2025-01-15. Review status: criteria provided, single submitter. Criteria: Myriad Autosomal Dominant, Autosomal Recessive and X-Linked Classification Criteria (2023). Collection method: clinical testing. Allele origin: unknown.
Comment: This variant is considered benign. This variant is a silent/synonymous amino acid change and it is not expected to impact splicing.